The following is an entry in ClinVar:

NM_022916.6(VPS33A):c.1097-1104T>C

Gene: VPS33A (VPS33A core subunit of CORVET and HOPS complexes; minus strand). Cytogenetic location: 12q24.31.
Variant type: single nucleotide variant.
Coding change: c.1097-1104T>C on transcript NM_022916.6 (MANE Select); 1104 bases into the intron before coding-DNA position 1097, T replaced by C.
Molecular consequence: intron variant.
Genome position (GRCh38, 1-based): chr12:122,241,049, A>G on the plus strand (T>C on the coding strand, the complement: VPS33A is on the minus strand). VCF-style: chr12-122241049-A-G. GRCh37 (hg19) VCF-style: chr12-122725596-A-G.
Other names: c.776-1104T>C (NM_001351020.2); c.1064-1104T>C (NM_001351018.2); c.1049-1104T>C (NM_001351019.2).
Identifiers: ClinVar variation 2643495 (VCV002643495.24), dbSNP rs1359624613, ClinGen allele CA684607272.

ClinVar aggregate classification (germline): Likely benign (1 of 4 stars; one submission).

Submission:

CeGaT Center for Human Genetics Tuebingen
Classification: Likely benign. Last evaluated: 2026-03-01. Review status: criteria provided, single submitter. Criteria: CeGaT Center For Human Genetics Tuebingen Variant Classification Criteria Version 2. Collection method: clinical testing. Allele origin: germline. Affected: yes. Observed: 6 variant alleles.
Comment: VPS33A: PM2:Supporting, BP4, BP7